The following is an entry in ClinVar:

NM_004360.5(CDH1):c.1267T>C (p.Phe423Leu)

Gene: CDH1 (cadherin 1; plus strand). Cytogenetic location: 16q22.1.
Variant type: single nucleotide variant.
Coding change: c.1267T>C on transcript NM_004360.5 (MANE Select); coding-DNA position 1267, T replaced by C.
Protein change: p.Phe423Leu; replaces phenylalanine 423 with leucine.
Molecular consequence: missense variant. On other transcripts: 5 prime UTR variant (2), intron variant (1).
Genome position (GRCh38, 1-based): chr16:68,813,442, T>C. VCF-style: chr16-68813442-T-C. GRCh37 (hg19) VCF-style: chr16-68847345-T-C.
Other names: c.1267T>C (LRG_301t1); c.-349T>C (NM_001317185.2); c.-553T>C (NM_001317186.2); c.1137+1179T>C (NM_001317184.2); short protein forms F423L.
Identifiers: ClinVar variation 185244 (VCV000185244.23), dbSNP rs786202027, ClinGen allele CA191431.

ClinVar aggregate classification (germline): Uncertain significance. Review status: criteria provided, multiple submitters, no conflicts (2 of 4 stars). 4 submissions from 4 submitters: Uncertain significance (4). Last evaluated 2026-08-12.

Conditions:
Hereditary cancer-predisposing syndrome. Also called: Neoplastic Syndromes, Hereditary; Hereditary Cancer Syndrome; Tumor predisposition; Hereditary neoplastic syndrome. Identifiers: Orphanet 140162, MedGen C0027672, MeSH D009386, MONDO:0015356.
Hereditary diffuse gastric adenocarcinoma (HDGC). Also called: DIFFUSE GASTRIC AND LOBULAR BREAST CANCER SYNDROME. Identifiers: Orphanet 26106, MedGen C1708349, MONDO:0007648, OMIM 137215.

Allele frequency attached by ClinVar (database versions not stated): gnomAD exomes below 0.00001.
gnomAD v4.1: 5 of 1,614,116 alleles (0.00031%); highest among the groups gnomAD compares: Non-Finnish European, 0.00042%; no homozygotes.

Submissions (4):

Ambry Genetics
Classification: Uncertain significance for Hereditary cancer-predisposing syndrome. Last evaluated: 2026-08-12. Review status: criteria provided, single submitter. Criteria: Ambry Variant Classification Scheme 2023. Collection method: clinical testing. Allele origin: germline.
Comment: The p.F423L variant (also known as c.1267T>C), located in coding exon 9 of the CDH1 gene, results from a T to C substitution at nucleotide position 1267. The phenylalanine at codon 423 is replaced by leucine, an amino acid with highly similar properties. This amino acid position is highly conserved in available vertebrate species. In addition, this alteration is predicted to be deleterious by in silico analysis. Based on the available evidence, the clinical significance of this variant remains unclear.

Women's Health and Genetics/Laboratory Corporation of America, LabCorp
Classification: Uncertain significance. Last evaluated: 2025-06-21. Review status: criteria provided, single submitter. Criteria: LabCorp Variant Classification Summary - May 2015. Collection method: clinical testing. Allele origin: germline.

Labcorp Genetics (formerly Invitae), Labcorp
Classification: Uncertain significance for Hereditary diffuse gastric adenocarcinoma. Last evaluated: 2024-05-16. Review status: criteria provided, single submitter. Criteria: Invitae Variant Classification Sherloc (09022015). Collection method: clinical testing. Allele origin: germline.
Comment: This sequence change replaces phenylalanine, which is neutral and non-polar, with leucine, which is neutral and non-polar, at codon 423 of the CDH1 protein (p.Phe423Leu). This variant is not present in population databases (gnomAD no frequency). This variant has not been reported in the literature in individuals affected with CDH1-related conditions. ClinVar contains an entry for this variant (Variation ID: 185244). An algorithm developed to predict the effect of missense changes on protein structure and function (PolyPhen-2) suggests that this variant is likely to be disruptive. In summary, the available evidence is currently insufficient to determine the role of this variant in disease. Therefore, it has been classified as a Variant of Uncertain Significance.

Color Diagnostics, LLC DBA Color Health
Classification: Uncertain significance for Hereditary cancer-predisposing syndrome. Last evaluated: 2023-12-05. Review status: criteria provided, single submitter. Criteria: ACMG Guidelines, 2015. Collection method: clinical testing. Allele origin: germline.
Comment: This missense variant replaces phenylalanine with leucine at codon 423 of the CDH1 protein. To our knowledge, functional studies have not been reported for this variant. This variant has not been reported in individuals affected with hereditary cancer in the literature. This variant has not been identified in the general population by the Genome Aggregation Database (gnomAD). The available evidence is insufficient to determine the role of this variant in disease conclusively. Therefore, this variant is classified as a Variant of Uncertain Significance.